The following is an entry in ClinVar:

NM_024503.5(HIVEP3):c.5939C>A (p.Pro1980Gln)

Gene: HIVEP3 (HIVEP zinc finger 3; minus strand). Cytogenetic location: 1p34.2.
Variant type: single nucleotide variant.
Coding change: c.5939C>A on transcript NM_024503.5 (MANE Select); coding-DNA position 5939, C replaced by A.
Protein change: p.Pro1980Gln; replaces proline 1980 with glutamine.
Molecular consequence: missense variant.
Genome position (GRCh38, 1-based): chr1:41,513,282, G>T on the plus strand (C>A on the coding strand, the complement: HIVEP3 is on the minus strand). VCF-style: chr1-41513282-G-T. GRCh37 (hg19) VCF-style: chr1-41978953-G-T.
Other names: c.5939C>A, p.Pro1980Gln (NM_001127714.3); short protein forms P1980Q.
Identifiers: ClinVar variation 3042148 (VCV003042148.2), dbSNP rs79791594, ClinGen allele CA797335.
Genomic context (GRCh38, chr1:41,513,282, plus strand): 5'-GCCGGGGAGCATCGCTGGGGAGATGAGTCGTTTTTGGTTAGCGAGTGTTTGCGGGCTAGT[G>T]GTGGACGGCTGCCTGCTTCTTTGCTTGGGGACCACGGTCTTCTTGGGGACACAGGCTTGT-3'
Protein context (NP_078779.2, residues 1970-1990): SPSKEAGSRP[Pro1980Gln]LARKHSLTKN

ClinVar aggregate classification (germline): Benign (0 of 4 stars; one submission).

Conditions:
HIVEP3-related disorder. Also called: HIVEP3-related condition.

Allele frequency attached by ClinVar (database versions not stated): ExAC 0.00440; 1000 Genomes Project 0.01278; 1000 Genomes Project 30x 0.01343; gnomAD 0.01433; TOPMed 0.01672; ESP Exome Variant Server 0.01725.
gnomAD v4.1: 4,216 of 1,613,220 alleles (0.26%); highest among the groups gnomAD compares: African/African-American, 5%; 107 homozygotes.

Submission:

PreventionGenetics, part of Exact Sciences
Classification: Benign for HIVEP3-related condition. Last evaluated: 2019-02-21. Review status: no assertion criteria provided. Collection method: clinical testing. Allele origin: germline.
Comment: This variant is classified as benign based on ACMG/AMP sequence variant interpretation guidelines (Richards et al. 2015 PMID: 25741868, with internal and published modifications).